The following is an entry in ClinVar:

NC_000010.10:g.(?_48370533)_(48429566_?)dup

Genes: GDF10 (growth differentiation factor 10; plus strand), GDF2 (growth differentiation factor 2; plus strand), RBP3 (retinol binding protein 3; plus strand), ZNF488 (zinc finger protein 488; minus strand). Cytogenetic location: 10q11.22.
Variant type: Duplication.
Identifiers: ClinVar variation 833109 (VCV000833109.1).

ClinVar aggregate classification (germline): Uncertain significance (1 of 4 stars; one submission).

Submission:

Labcorp Genetics (formerly Invitae), Labcorp
Classification: Uncertain significance. Last evaluated: 2019-09-17. Review status: criteria provided, single submitter. Criteria: Invitae Variant Classification Sherloc (09022015). Collection method: clinical testing. Allele origin: germline.
Comment: This variant results in a copy number gain of the genomic region encompassing the full coding sequence of the RBP3 gene. The boundaries of this event are unknown as they extend beyond the assayed region for this gene and therefore may encompass additional genes. As the precise location of this event is unknown, it may be in tandem or it may be located elsewhere in the genome. This variant has not been reported in the literature in individuals with RBP3-related conditions. In summary, the available evidence is currently insufficient to determine the role of this variant in disease. Therefore, it has been classified as a Variant of Uncertain Significance.